The following is an entry in ClinVar:

NM_017617.5(NOTCH1):c.4465A>T (p.Asn1489Tyr)

Gene: NOTCH1 (notch receptor 1; minus strand). Cytogenetic location: 9q34.3.
Variant type: single nucleotide variant.
Coding change: c.4465A>T on transcript NM_017617.5 (MANE Select); coding-DNA position 4465, A replaced by T.
Protein change: p.Asn1489Tyr; replaces asparagine 1489 with tyrosine.
Molecular consequence: missense variant.
Genome position (GRCh38, 1-based): chr9:136,505,431, T>A on the plus strand (A>T on the coding strand, the complement: NOTCH1 is on the minus strand). VCF-style: chr9-136505431-T-A. GRCh37 (hg19) VCF-style: chr9-139399883-T-A.
Other names: short protein forms N1489Y.
Identifiers: ClinVar variation 4687191 (VCV004687191.2).
Genomic context (GRCh38, chr9:136,505,431, plus strand): 5'-ACTGGCTGTCACAGTGGCCGTCACTGAAGTACTTCCAGCACTGCAGAGACTGCGTGCAGT[T>A]CTTCCAGGGGTCATTGAAGTTGAGGGAGCAGTCACCGCCGTCCCAGCCGCACGCGTGGTT-3'
Protein context (NP_060087.3, residues 1479-1499): CSLNFNDPWK[Asn1489Tyr]CTQSLQCWKY

ClinVar aggregate classification (germline): Uncertain significance. Review status: criteria provided, multiple submitters, no conflicts (2 of 4 stars). 2 submissions from 2 submitters: Uncertain significance (2). Last evaluated 2025-10-18.

Conditions:
Adams-Oliver syndrome 5 (AOS5). Identifiers: Orphanet 974, MedGen C4014970, MONDO:0014459, OMIM 616028.

Submissions (2):

Women's Health and Genetics/Laboratory Corporation of America, LabCorp
Classification: Uncertain significance. Last evaluated: 2025-10-18. Review status: criteria provided, single submitter. Criteria: LabCorp Variant Classification Summary - May 2015. Collection method: clinical testing. Allele origin: germline.

Labcorp Genetics (formerly Invitae), Labcorp
Classification: Uncertain significance for Adams-Oliver syndrome 5. Last evaluated: 2025-09-24. Review status: criteria provided, single submitter. Criteria: Invitae Variant Classification Sherloc (09022015). Collection method: clinical testing. Allele origin: germline.
Comment: This sequence change replaces asparagine, which is neutral and polar, with tyrosine, which is neutral and polar, at codon 1489 of the NOTCH1 protein (p.Asn1489Tyr). This variant is not present in population databases (gnomAD no frequency). This variant has not been reported in the literature in individuals affected with NOTCH1-related conditions. Invitae Evidence Modeling of protein sequence and biophysical properties (such as structural, functional, and spatial information, amino acid conservation, physicochemical variation, residue mobility, and thermodynamic stability) indicates that this missense variant is not expected to disrupt NOTCH1 protein function with a negative predictive value of 80%. In summary, the available evidence is currently insufficient to determine the role of this variant in disease. Therefore, it has been classified as a Variant of Uncertain Significance.